The following is an entry in ClinVar:

ClinVar aggregate classification (germline): Uncertain significance. Review status: criteria provided, multiple submitters, no conflicts (2 of 4 stars). 2 submissions from 2 submitters: Uncertain significance (2). Last evaluated 2022-10-23.

Conditions:
Purine-nucleoside phosphorylase deficiency. Also called: NUCLEOSIDE PHOSPHORYLASE DEFICIENCY; Immunodeficiency due to purine nucleoside phosphorylase deficiency. Identifiers: Orphanet 760, MedGen C0268125, MONDO:0013171, OMIM 613179.

Allele frequency attached by ClinVar (database versions not stated): gnomAD 0.00001 and 0.00004; TOPMed 0.00002; gnomAD exomes 0.00003 and 0.00008; ESP Exome Variant Server 0.00008; ExAC 0.00011; 1000 Genomes Project 30x 0.00047; 1000 Genomes Project 0.00060.

Submissions (2):

Labcorp Genetics (formerly Invitae), Labcorp
Classification: Uncertain significance for Purine-nucleoside phosphorylase deficiency. Last evaluated: 2022-10-23. Review status: criteria provided, single submitter. Criteria: Invitae Variant Classification Sherloc (09022015). Collection method: clinical testing. Allele origin: germline.
Comment: This sequence change replaces arginine, which is basic and polar, with glutamine, which is neutral and polar, at codon 168 of the PNP protein (p.Arg168Gln). This variant is present in population databases (rs376788669, gnomAD 0.1%). This variant has not been reported in the literature in individuals affected with PNP-related conditions. ClinVar contains an entry for this variant (Variation ID: 453186). Advanced modeling of protein sequence and biophysical properties (such as structural, functional, and spatial information, amino acid conservation, physicochemical variation, residue mobility, and thermodynamic stability) performed at Invitae indicates that this missense variant is not expected to disrupt PNP protein function. In summary, the available evidence is currently insufficient to determine the role of this variant in disease. Therefore, it has been classified as a Variant of Uncertain Significance.

GeneDx
Classification: Uncertain significance. Last evaluated: 2017-11-03. Review status: criteria provided, single submitter. Criteria: GeneDx Variant Classification (06012015). Collection method: clinical testing. Allele origin: germline. Affected: yes.
Comment: The R168Q variant has not been published as a pathogenic variant, nor has it been reported as a benign variant to our knowledge. The variant is observed in 17/17248 (0.0986%) alleles from individuals of East Asian background in large population cohorts (Lek et al., 2016). R168Q is a semi-conservative amino acid substitution, which may impact secondary protein structure as these residues differ in some properties. This substitution occurs at a position where amino acids with similar properties to Arginine are tolerated across species. In silico analysis is inconsistent in its predictions as to whether or not the variant is damaging to the protein structure/function. In summary, based on the currently available information, it is unclear whether this variant is a pathogenic variant or a rare benign variant.

NM_000270.4(PNP):c.503G>A (p.Arg168Gln)

Gene: PNP (purine nucleoside phosphorylase; plus strand). Cytogenetic location: 14q11.2.
Variant type: single nucleotide variant.
Coding change: c.503G>A on transcript NM_000270.4 (MANE Select); coding-DNA position 503, G replaced by A.
Protein change: p.Arg168Gln; replaces arginine 168 with glutamine.
Molecular consequence: missense variant.
Genome position (GRCh38, 1-based): chr14:20,475,103, G>A. VCF-style: chr14-20475103-G-A. GRCh37 (hg19) VCF-style: chr14-20943262-G-A.
Other names: short protein forms R168Q.
Identifiers: ClinVar variation 453186 (VCV000453186.6), dbSNP rs376788669, ClinGen allele CA7082156.